The following is an entry in ClinVar:

ClinVar aggregate classification (germline): Benign/Likely benign. Review status: criteria provided, multiple submitters, no conflicts (2 of 4 stars). 4 submissions from 4 submitters: Benign (2); Likely benign (2). Last evaluated 2025-12-22.

Submissions (4):

Labcorp Genetics (formerly Invitae), Labcorp
Classification: Benign. Last evaluated: 2025-12-22. Review status: criteria provided, single submitter. Criteria: Invitae Variant Classification Sherloc (09022015). Collection method: clinical testing. Allele origin: germline.

Mayo Clinic Laboratories, Mayo Clinic
Classification: Likely benign. Last evaluated: 2025-10-28. Review status: criteria provided, single submitter. Criteria: ACMG Guidelines, 2015. Collection method: clinical testing. Allele origin: germline. Observed: 17 variant alleles.

CeGaT Center for Human Genetics Tuebingen
Classification: Likely benign. Last evaluated: 2025-08-01. Review status: criteria provided, single submitter. Criteria: CeGaT Center For Human Genetics Tuebingen Variant Classification Criteria Version 2. Collection method: clinical testing. Allele origin: germline. Affected: yes. Observed: 2 variant alleles.
Comment: PIEZO1: PM4:Supporting, BS1

ARUP Laboratories, Molecular Genetics and Genomics, ARUP Laboratories
Classification: Benign. Last evaluated: 2025-06-19. Review status: criteria provided, single submitter. Criteria: ARUP Molecular Germline Variant Investigation Process 2024. Collection method: clinical testing. Allele origin: germline.

NM_001142864.4(PIEZO1):c.1141_1143del (p.Asp381del)

Genes: HSALR1 (HSP90AB1 associated lncRNA 1; plus strand), PIEZO1 (piezo type mechanosensitive ion channel component 1 (Er blood group); minus strand). Cytogenetic location: 16q24.3.
Variant type: Deletion.
Coding change: c.1141_1143del on transcript NM_001142864.4 (MANE Select); coding-DNA positions 1141 to 1143, 3 bases deleted (GAT; older notation c.1141_1143delGAT).
Protein change: p.Asp381del; deletes aspartic acid 381.
Molecular consequence: inframe deletion.
Genome position (GRCh38, 1-based): chr16:88,737,611-88,737,613, ATC deleted on the plus strand (GAT on the coding strand, the reverse complement: PIEZO1 is on the minus strand); deleting any 3 consecutive bases within chr16:88,737,611-88,737,614 gives the same sequence; the c. name uses the placement nearest the transcript's 3' end. VCF-style (leftmost placement, unchanged base first): chr16-88737610-TATC-T. GRCh37 (hg19) VCF-style: chr16-88804018-TATC-T.
Other names: p.Asp381del; c.1141_1143del (NM_001142864.3); short protein forms D381del.
Identifiers: ClinVar variation 722886 (VCV000722886.36), dbSNP rs543368793, ClinGen allele CA8233104.
Genomic context (GRCh38, chr16:88,737,610, plus strand): 5'-GGTACTCACCAGGCCGCCGCAGGACGGAGCTCTGGCCGGTCAGCTCGTGCACGATGCAGT[TATC>T]AGCCTCGGTGTCGGGTGCTGTGGGCACCACGTGCTGTGGGCAAGCAGCGCTGAGCCATGC-3'